The following is an entry in ClinVar:

NM_182931.3(KMT2E):c.4511A>G (p.Gln1504Arg)

Gene: KMT2E (lysine methyltransferase 2E (inactive); plus strand). Cytogenetic location: 7q22.3.
Variant type: single nucleotide variant.
Coding change: c.4511A>G on transcript NM_182931.3 (MANE Select); coding-DNA position 4511, A replaced by G.
Protein change: p.Gln1504Arg; replaces glutamine 1504 with arginine.
Molecular consequence: missense variant.
Genome position (GRCh38, 1-based): chr7:105,112,267, A>G. VCF-style: chr7-105112267-A-G. GRCh37 (hg19) VCF-style: chr7-104752714-A-G.
Other names: c.4385A>G, p.Gln1462Arg (NM_001410908.1); c.4511A>G, p.Gln1504Arg (NM_018682.4); short protein forms Q1462R, Q1504R.
Identifiers: ClinVar variation 3602486 (VCV003602486.1).

ClinVar aggregate classification (germline): Uncertain significance (1 of 4 stars; one submission).

Submission:

GeneDx
Classification: Uncertain significance. Last evaluated: 2024-08-01. Review status: criteria provided, single submitter. Criteria: GeneDx Variant Classification Process June 2021. Collection method: clinical testing. Allele origin: germline. Affected: yes.
Comment: Not observed at significant frequency in large population cohorts (gnomAD); In silico analysis indicates that this missense variant does not alter protein structure/function; Has not been previously published as pathogenic or benign to our knowledge.